The following is an entry in ClinVar:

NM_004006.3(DMD):c.3949G>T (p.Glu1317Ter)

Gene: DMD (dystrophin; minus strand). Cytogenetic location: Xp21.1.
Variant type: single nucleotide variant.
Coding change: c.3949G>T on transcript NM_004006.3 (MANE Select); coding-DNA position 3949, G replaced by T.
Protein change: p.Glu1317Ter; replaces glutamic acid 1317 with a stop codon.
Molecular consequence: nonsense.
Genome position (GRCh38, 1-based): chrX:32,438,363, C>A on the plus strand (G>T on the coding strand, the complement: DMD is on the minus strand). VCF-style: chrX-32438363-C-A. GRCh37 (hg19) VCF-style: chrX-32456480-C-A.
Other names: c.3925G>T, p.Glu1309Ter (NM_000109.4); c.3937G>T, p.Glu1313Ter (NM_004009.3); c.3580G>T, p.Glu1194Ter (NM_004010.3); short protein forms E1194*, E1309*, E1313*, E1317*.
Identifiers: ClinVar variation 2627919 (VCV002627919.1), dbSNP rs2524074403, ClinGen allele CA412669467.

ClinVar aggregate classification (germline): Likely pathogenic (1 of 4 stars; one submission).

Conditions:
Neuromuscular disease caused by qualitative or quantitative defects of dystrophin. Also called: Qualitative or quantitative defects of dystrophin. Identifiers: Orphanet 207085, MedGen C5679787, MONDO:0016147.

Submission:

Illumina Laboratory Services, Illumina
Classification: Likely pathogenic for Dystrophinopathies. Last evaluated: 2023-08-01. Review status: criteria provided, single submitter. Criteria: ICSLVariantClassificationCriteria RUGD 01 April 2020. Collection method: clinical testing. Allele origin: unknown.
Comment: The DMD c.3937G>T (p.Glu1313Ter) nonsense variant results in the loss of normal protein function through either protein truncation or nonsense-mediated mRNA decay. This variant is not observed in version 2.1.1 or version 3.1.2 of the Genome Aggregation Database. Based on the available evidence, the c.3937G>T (p.Glu1313Ter) variant is classified as likely pathogenic for dystrophinopathies.